The following is an entry in ClinVar:

NM_014314.4(RIGI):c.2371A>G (p.Arg791Gly)

Genes: RIGI (RNA sensor RIG-I; minus strand), LOC101060445 (uncharacterized LOC101060445; plus strand). Cytogenetic location: 9p21.1.
Variant type: single nucleotide variant.
Coding change: c.2371A>G on transcript NM_014314.4 (MANE Select); coding-DNA position 2371, A replaced by G.
Protein change: p.Arg791Gly; replaces arginine 791 with glycine.
Molecular consequence: missense variant.
Genome position (GRCh38, 1-based): chr9:32,459,481, T>C on the plus strand (A>G on the coding strand, the complement: RIGI is on the minus strand). VCF-style: chr9-32459481-T-C. GRCh37 (hg19) VCF-style: chr9-32459479-T-C.
Other names: c.2365A>G, p.Arg789Gly (NM_001385907.1); c.2200A>G, p.Arg734Gly (NM_001385909.1); c.1930A>G, p.Arg644Gly (NM_001385910.1); c.1762A>G, p.Arg588Gly (NM_001385912.1); c.2356A>G, p.Arg786Gly (NM_001385913.1); c.1927A>G, p.Arg643Gly (NM_001385914.1); short protein forms R643G, R644G, R786G, R588G, R789G, R791G, R734G.
Identifiers: ClinVar variation 2190447 (VCV002190447.4), dbSNP rs1399946004, ClinGen allele CA373144474.
Genomic context (GRCh38, chr9:32,459,481, plus strand): 5'-TGCAGAGCAGTTTTTTATTTTCCTTATCAGGTACAGGTTTTGGTTTTTCTTGACTATCTC[T>C]GATGAATTTTTCATGAGTCTGTATATGCAGAATCTAATGCAAAAAGAAAGACCGCAAATG-3'
Protein context (NP_055129.2, residues 781-801): LHIQTHEKFI[Arg791Gly]DSQEKPKPVP

ClinVar aggregate classification (germline): Uncertain significance (1 of 4 stars; one submission).

Allele frequency attached by ClinVar (database versions not stated): TOPMed below 0.00001; gnomAD exomes 0.00001.
gnomAD v4.1: 4 of 1,612,372 alleles (0.00025%); highest among the groups gnomAD compares: Non-Finnish European, 0.00034%; no homozygotes.

Submission:

Labcorp Genetics (formerly Invitae), Labcorp
Classification: Uncertain significance. Last evaluated: 2022-09-08. Review status: criteria provided, single submitter. Criteria: Invitae Variant Classification Sherloc (09022015). Collection method: clinical testing. Allele origin: germline.
Comment: This variant is present in population databases (no rsID available, gnomAD 0.0009%). In summary, the available evidence is currently insufficient to determine the role of this variant in disease. Therefore, it has been classified as a Variant of Uncertain Significance. Algorithms developed to predict the effect of missense changes on protein structure and function are either unavailable or do not agree on the potential impact of this missense change (SIFT: "Deleterious"; PolyPhen-2: "Probably Damaging"; Align-GVGD: "Class C0"). This variant has not been reported in the literature in individuals affected with DDX58-related conditions. This sequence change replaces arginine, which is basic and polar, with glycine, which is neutral and non-polar, at codon 791 of the DDX58 protein (p.Arg791Gly).